The following is an entry in ClinVar:

ClinVar aggregate classification (germline): Uncertain significance (0 of 4 stars; one submission).

Conditions:
Prostate cancer. Also called: Malignant tumor of prostate. Identifiers: Orphanet 1331, MedGen C0376358, MONDO:0008315, HP:0012125.

Submission:

Science for Life laboratory,  Karolinska Institutet
Classification: Uncertain significance for Malignant tumor of prostate. Review status: no assertion criteria provided. Collection method: not provided. Allele origin: somatic.
Comment: TumorID:SWE-90A
ClinVar note: Converted during submission from Unknown to Uncertain significance.

NM_206933.4(USH2A):c.5837G>T (p.Arg1946Leu)

Genes: USH2A (usherin; minus strand), USH2A-AS2 (USH2A antisense RNA 2; plus strand). Cytogenetic location: 1q41.
Variant type: single nucleotide variant.
Coding change: c.5837G>T on transcript NM_206933.4 (MANE Select); coding-DNA position 5837, G replaced by T.
Protein change: p.Arg1946Leu; replaces arginine 1946 with leucine.
Molecular consequence: missense variant.
Genome position (GRCh38, 1-based): chr1:216,072,909, C>A on the plus strand (G>T on the coding strand, the complement: USH2A is on the minus strand). VCF-style: chr1-216072909-C-A. GRCh37 (hg19) VCF-style: chr1-216246251-C-A.
Other names: short protein forms R1946L.
Identifiers: ClinVar variation 161858 (VCV000161858.2), dbSNP rs193921072, ClinGen allele CA174920.
Genomic context (GRCh38, chr1:216,072,909, plus strand): 5'-GTGTGTGTGTGCACATATGCATTTGAAGATAAGTATTTACCTGCTCCTGTTGTACGTCCT[C>A]GACTCCAATCACTATATACTGAACCTCCTTCATGCGAGGCTATCACTCGATACAGGTATT-3'
Protein context (NP_996816.3, residues 1936-1956): EGGSVYSDWS[Arg1946Leu]GRTTGAAPQS